The following is an entry in ClinVar:

ClinVar aggregate classification (germline): Likely benign (1 of 4 stars; one submission).

Submission:

Mayo Clinic Laboratories, Mayo Clinic
Classification: Likely benign. Last evaluated: 2025-08-05. Review status: criteria provided, single submitter. Criteria: ACMG Guidelines, 2015. Collection method: clinical testing. Allele origin: germline. Observed: 1 variant allele.
Comment: BS1_supporting, BP4, BP7

NM_000930.5(PLAT):c.933C>T (p.Ile311=)

Genes: PLAT (plasminogen activator, tissue type; minus strand), LOC130000295 (ATAC-STARR-seq lymphoblastoid active region 27301; plus strand). Cytogenetic location: 8p11.21.
Variant type: single nucleotide variant.
Coding change: c.933C>T on transcript NM_000930.5 (MANE Select); coding-DNA position 933, C replaced by T.
Protein change: p.Ile311=; no amino-acid change (isoleucine 311 retained).
Molecular consequence: synonymous variant.
Genome position (GRCh38, 1-based): chr8:42,180,642, G>A on the plus strand (C>T on the coding strand, the complement: PLAT is on the minus strand). VCF-style: chr8-42180642-G-A. GRCh37 (hg19) VCF-style: chr8-42038160-G-A.
Other names: p.Ile311=; c.666C>T, p.Ile222= (NM_001319189.2); c.795C>T, p.Ile265= (NM_033011.4).
Identifiers: ClinVar variation 4683337 (VCV004683337.1).
Genomic context (GRCh38, chr8:42,180,642, plus strand): 5'-CTTGGCAAAGATGGCAGCCTGCCAGGGGTGGGAGGCGATGTCGGCGAAGAGCCCTCCTTT[G>A]ATGCGAAACTGAGGCTGGCTGTACTGTCTCAGGCCGCAGGTGGCTGGGGAGGAAAGGACG-3'
Protein context (NP_000921.1, residues 301-321): LRQYSQPQFR[Ile311=]KGGLFADIAS